The following is an entry in ClinVar:

ClinVar aggregate classification (germline): Likely benign. Review status: criteria provided, single submitter (1 of 4 stars). 2 submissions from 2 submitters: Likely benign (1). 1 of the submissions does not count toward it. Last evaluated 2025-09-15.

Conditions:
UNC45B-related disorder. Also called: UNC45B-related condition.

Allele frequency attached by ClinVar (database versions not stated): ExAC 0.00002; gnomAD 0.00008.
gnomAD v4.1: 50 of 1,566,730 alleles (0.0032%); highest among the groups gnomAD compares: East Asian, 0.021%; 1 homozygote.

Submissions (2):

Labcorp Genetics (formerly Invitae), Labcorp
Classification: Likely benign. Last evaluated: 2025-09-15. Review status: criteria provided, single submitter. Criteria: Invitae Variant Classification Sherloc (09022015). Collection method: clinical testing. Allele origin: germline.

PreventionGenetics, part of Exact Sciences
Classification: Likely benign for UNC45B-related condition. Last evaluated: 2021-12-03. Review status: no assertion criteria provided. Collection method: clinical testing. Allele origin: germline. Not counted in ClinVar's aggregate classification.
Comment: This variant is classified as likely benign based on ACMG/AMP sequence variant interpretation guidelines (Richards et al. 2015 PMID: 25741868, with internal and published modifications).

NM_001267052.2(UNC45B):c.1350G>A (p.Thr450=)

Gene: UNC45B (unc-45 myosin chaperone B; plus strand). Cytogenetic location: 17q12.
Variant type: single nucleotide variant.
Coding change: c.1350G>A on transcript NM_001267052.2 (MANE Select); coding-DNA position 1350, G replaced by A.
Protein change: p.Thr450=; no amino-acid change (threonine 450 retained).
Molecular consequence: synonymous variant.
Genome position (GRCh38, 1-based): chr17:35,168,259, G>A. VCF-style: chr17-35168259-G-A. GRCh37 (hg19) VCF-style: chr17-33495278-G-A.
Other names: c.1350G>A, p.Thr450= (NM_001033576.2, NM_001308281.1, NM_173167.3).
Identifiers: ClinVar variation 3035228 (VCV003035228.4), dbSNP rs758031609, ClinGen allele CA8501116.